The following is an entry in ClinVar:

NM_020376.4(PNPLA2):c.1090C>T (p.Arg364Trp)

Gene: PNPLA2 (patatin like domain 2, triacylglycerol lipase; plus strand). Cytogenetic location: 11p15.5.
Variant type: single nucleotide variant.
Coding change: c.1090C>T on transcript NM_020376.4 (MANE Select); coding-DNA position 1090, C replaced by T.
Protein change: p.Arg364Trp; replaces arginine 364 with tryptophan.
Molecular consequence: missense variant.
Genome position (GRCh38, 1-based): chr11:824,351, C>T. VCF-style: chr11-824351-C-T. GRCh37 (hg19) VCF-style: chr11-824351-C-T.
Other names: short protein forms R364W.
Identifiers: ClinVar variation 788237 (VCV000788237.13), dbSNP rs577421006, ClinGen allele CA5791303.

ClinVar aggregate classification (germline): Conflicting classifications of pathogenicity. Review status: criteria provided, conflicting classifications (1 of 4 stars). 3 submissions from 3 submitters: Uncertain significance (2); Likely benign (1). Last evaluated 2025-07-07.

Conditions:
Neutral lipid storage myopathy (NLSDM). Also called: NEUTRAL LIPID STORAGE DISEASE WITHOUT ICHTHYOSIS. Identifiers: Orphanet 98908, MedGen C1853136, MONDO:0012545, OMIM 610717.

Allele frequency attached by ClinVar (database versions not stated): gnomAD 0.00002 and 0.00003; ExAC 0.00006; TOPMed 0.00007; 1000 Genomes Project 30x 0.00016; 1000 Genomes Project 0.00020.
gnomAD v4.1: 34 of 1,551,340 alleles (0.0022%); highest among the groups gnomAD compares: East Asian, 0.061%; no homozygotes.

Submissions (3):

Labcorp Genetics (formerly Invitae), Labcorp
Classification: Likely benign for Neutral lipid storage myopathy. Last evaluated: 2025-07-07. Review status: criteria provided, single submitter. Criteria: Invitae Variant Classification Sherloc (09022015). Collection method: clinical testing. Allele origin: germline.

GeneDx
Classification: Uncertain significance. Last evaluated: 2023-03-16. Review status: criteria provided, single submitter. Criteria: GeneDx Variant Classification Process June 2021. Collection method: clinical testing. Allele origin: germline. Affected: yes.
Comment: In silico analysis supports that this missense variant has a deleterious effect on protein structure/function; Has not been previously published as pathogenic or benign to our knowledge

Illumina Laboratory Services, Illumina
Classification: Uncertain significance for Neutral lipid storage myopathy. Last evaluated: 2018-01-12. Review status: criteria provided, single submitter. Criteria: ICSL Variant Classification Criteria 13 December 2019. Collection method: clinical testing. Allele origin: germline.